The following is an entry in ClinVar:

NM_015656.2(KIF26A):c.4854C>T (p.Ala1618=)

Gene: KIF26A (kinesin family member 26A; plus strand). Cytogenetic location: 14q32.33.
Variant type: single nucleotide variant.
Coding change: c.4854C>T on transcript NM_015656.2 (MANE Select); coding-DNA position 4854, C replaced by T.
Protein change: p.Ala1618=; no amino-acid change (alanine 1618 retained).
Molecular consequence: synonymous variant.
Genome position (GRCh38, 1-based): chr14:104,177,642, C>T. VCF-style: chr14-104177642-C-T. GRCh37 (hg19) VCF-style: chr14-104643979-C-T.
Identifiers: ClinVar variation 5041380 (VCV005041380.1).

ClinVar aggregate classification (germline): Likely benign (1 of 4 stars; one submission).

gnomAD v4.1: 8 of 1,526,228 alleles (0.00052%); highest among the groups gnomAD compares: Non-Finnish European, 0.0007%; no homozygotes.

Submission:

CeGaT Center for Human Genetics Tuebingen
Classification: Likely benign. Last evaluated: 2026-09-01. Review status: criteria provided, single submitter. Criteria: CeGaT Center For Human Genetics Tuebingen Variant Classification Criteria Version 2. Collection method: clinical testing. Allele origin: germline. Affected: yes. Observed: 1 variant allele.
Comment: KIF26A: BP4, BP7